The following is an entry in ClinVar:

ClinVar aggregate classification (germline): Uncertain significance. Review status: criteria provided, multiple submitters, no conflicts (2 of 4 stars). 3 submissions from 3 submitters: Uncertain significance (3). Last evaluated 2025-11-17.

Conditions:
Cutis laxa, autosomal recessive, type 1B (ARCL1B). Also called: CUTIS LAXA, AUTOSOMAL RECESSIVE, TYPE IB; EFEMP2-Related Cutis Laxa. Identifiers: Orphanet 90349, MedGen C3280798, MONDO:0013754, OMIM 614437. Disease mechanism: loss of function.

Allele frequency attached by ClinVar (database versions not stated): ExAC 0.00002; gnomAD 0.00002; gnomAD exomes 0.00004; TOPMed 0.00007.
gnomAD v4.1: 14 of 1,613,908 alleles (0.00087%); highest among the groups gnomAD compares: Admixed American, 0.018%; no homozygotes.

Submissions (3):

Labcorp Genetics (formerly Invitae), Labcorp
Classification: Uncertain significance for Cutis laxa, autosomal recessive, type 1B. Last evaluated: 2025-11-17. Review status: criteria provided, single submitter. Criteria: Invitae Variant Classification Sherloc (09022015). Collection method: clinical testing. Allele origin: germline.
Comment: This sequence change replaces glutamine, which is neutral and polar, with leucine, which is neutral and non-polar, at codon 339 of the EFEMP2 protein (p.Gln339Leu). This variant is present in population databases (rs754118526, gnomAD 0.03%). This variant has not been reported in the literature in individuals affected with EFEMP2-related conditions. ClinVar contains an entry for this variant (Variation ID: 472807). Invitae Evidence Modeling of protein sequence and biophysical properties (such as structural, functional, and spatial information, amino acid conservation, physicochemical variation, residue mobility, and thermodynamic stability) indicates that this missense variant is not expected to disrupt EFEMP2 protein function with a negative predictive value of 95%. In summary, the available evidence is currently insufficient to determine the role of this variant in disease. Therefore, it has been classified as a Variant of Uncertain Significance.

Women's Health and Genetics/Laboratory Corporation of America, LabCorp
Classification: Uncertain significance. Last evaluated: 2023-02-10. Review status: criteria provided, single submitter. Criteria: LabCorp Variant Classification Summary - May 2015. Collection method: clinical testing. Allele origin: germline.

GeneDx
Classification: Uncertain significance. Last evaluated: 2019-10-14. Review status: criteria provided, single submitter. Criteria: GeneDx Variant Classification Process June 2021. Collection method: clinical testing. Allele origin: germline. Affected: yes.
Comment: Not observed at a significant frequency in large population cohorts (Lek et al., 2016); In silico analysis, which includes protein predictors and evolutionary conservation, supports that this variant does not alter protein structure/function; Has not been previously published as pathogenic or benign to our knowledge

NM_016938.5(EFEMP2):c.1016A>T (p.Gln339Leu)

Gene: EFEMP2 (EGF-like fibulin extracellular matrix protein 2; minus strand). Cytogenetic location: 11q13.1.
Variant type: single nucleotide variant.
Coding change: c.1016A>T on transcript NM_016938.5 (MANE Select); coding-DNA position 1016, A replaced by T.
Protein change: p.Gln339Leu; replaces glutamine 339 with leucine.
Molecular consequence: missense variant. On other transcripts: non-coding transcript variant (1).
Genome position (GRCh38, 1-based): chr11:65,868,015, T>A on the plus strand (A>T on the coding strand, the complement: EFEMP2 is on the minus strand). VCF-style: chr11-65868015-T-A. GRCh37 (hg19) VCF-style: chr11-65635486-T-A.
Other names: short protein forms Q339L.
Identifiers: ClinVar variation 472807 (VCV000472807.10), dbSNP rs754118526, ClinGen allele CA6110435.